The following is an entry in ClinVar:

NM_000548.5(TSC2):c.3611-10G>A

Gene: TSC2 (TSC complex subunit 2; plus strand). Cytogenetic location: 16p13.3.
Variant type: single nucleotide variant.
Coding change: c.3611-10G>A on transcript NM_000548.5 (MANE Select); 10 bases into the intron before coding-DNA position 3611, G replaced by A.
Molecular consequence: intron variant.
Genome position (GRCh38, 1-based): chr16:2,081,585, G>A. VCF-style: chr16-2081585-G-A. GRCh37 (hg19) VCF-style: chr16-2131586-G-A.
Other names: c.3611-10G>A (NM_000548.4, NM_001114382.3); c.3482-10G>A (NM_021055.3, NM_001370405.1, NM_001363528.2); c.3479-10G>A (NM_001370404.1, NM_001077183.3); c.3371-10G>A (NM_001318827.2); c.2879-10G>A (NM_001318831.2); c.3335-10G>A (NM_001318829.2); c.3512-10G>A (NM_001318832.2).
Identifiers: ClinVar variation 65244 (VCV000065244.56), dbSNP rs372045362, ClinGen allele CA019370.

ClinVar aggregate classification (germline): Benign/Likely benign. Review status: criteria provided, multiple submitters, no conflicts (2 of 4 stars). 15 submissions from 15 submitters: Benign (11); Likely benign (3). 1 of the submissions does not count toward it. Last evaluated 2026-01-31.

Conditions:
Hereditary cancer-predisposing syndrome. Also called: Hereditary Cancer Syndrome; Tumor predisposition; Neoplastic Syndromes, Hereditary; Hereditary neoplastic syndrome. Identifiers: Orphanet 140162, MedGen C0027672, MeSH D009386, MONDO:0015356.
Tuberous sclerosis syndrome (TSC). Also called: Tuberous Sclerosis Complex; Tuberous sclerosis. Identifiers: Orphanet 805, MedGen C0041341, MONDO:0001734.
Tuberous sclerosis 2 (TSC2). Identifiers: Orphanet 805, MedGen C1860707, MONDO:0013199, OMIM 613254.

Allele frequency attached by ClinVar (database versions not stated): gnomAD 0.00004 and 0.00027; TOPMed 0.00005; gnomAD exomes 0.00051 and 0.00107; ExAC 0.00139; 1000 Genomes Project 30x 0.00203; 1000 Genomes Project 0.00220; ESP Exome Variant Server 0.00008.
gnomAD v4.1: 769 of 1,612,858 alleles (0.048%); highest among the groups gnomAD compares: South Asian, 0.8%; 13 homozygotes.

Submissions (15):

Labcorp Genetics (formerly Invitae), Labcorp
Classification: Benign for Tuberous sclerosis 2. Last evaluated: 2026-01-31. Review status: criteria provided, single submitter. Criteria: Invitae Variant Classification Sherloc (09022015). Collection method: clinical testing. Allele origin: germline.

Department of Pathology and Laboratory Medicine, Sinai Health System
Classification: Likely benign for tuberous sclerosis. Last evaluated: 2025-01-14. Review status: criteria provided, single submitter. Criteria: ACMG Guidelines, 2015. Collection method: clinical testing. Allele origin: germline.

CeGaT Center for Human Genetics Tuebingen
Classification: Likely benign. Last evaluated: 2024-12-01. Review status: criteria provided, single submitter. Criteria: CeGaT Center For Human Genetics Tuebingen Variant Classification Criteria Version 2. Collection method: clinical testing. Allele origin: germline. Affected: yes. Observed: 4 variant alleles.
Comment: TSC2: BS2

Blueprint Genetics
Classification: Likely benign. Last evaluated: 2024-09-23. Review status: criteria provided, single submitter. Criteria: ACMG Guidelines, 2015. Collection method: clinical testing. Allele origin: germline.

All of Us Research Program, National Institutes of Health
Classification: Benign for Tuberous sclerosis syndrome. Last evaluated: 2024-01-11. Review status: criteria provided, single submitter. Criteria: ACMG Guidelines, 2015. Collection method: clinical testing. Allele origin: germline. Inheritance: Autosomal dominant inheritance. Observed: 27 variant alleles, 27 heterozygotes.
Comment: This study involves interpretation of variants in research participants for the purpose of population health screening. Participant phenotype was not available at the time of variant classification. Additional details can be found in publication PMID: 35346344, PMCID: PMC8962531

KCCC/NGS Laboratory, Kuwait Cancer Control Center
Classification: Benign for Tuberous sclerosis 2. Last evaluated: 2023-07-07. Review status: criteria provided, single submitter. Criteria: ACMG Guidelines, 2015. Collection method: clinical testing. Allele origin: germline. Affected: yes.

Myriad Genetics, Inc.
Classification: Benign for Tuberous sclerosis 2. Last evaluated: 2023-07-06. Review status: criteria provided, single submitter. Criteria: Myriad Autosomal Dominant, Autosomal Recessive and X-Linked Classification Criteria (2023). Collection method: clinical testing. Allele origin: unknown.
Comment: This variant is considered benign. This variant is intronic and is not expected to impact mRNA splicing. Homozygosity has been confirmed in one or more individuals. As homozygosity for pathogenic variants in this gene is generally assumed to result in embryonic lethality, this variant is unlikely to be pathogenic.

Color Diagnostics, LLC DBA Color Health
Classification: Benign for Tuberous sclerosis syndrome. Last evaluated: 2022-11-06. Review status: criteria provided, single submitter. Criteria: ACMG Guidelines, 2015. Collection method: clinical testing. Allele origin: germline.

Genome-Nilou Lab
Classification: Benign for Tuberous sclerosis 2. Last evaluated: 2021-11-07. Review status: criteria provided, single submitter. Criteria: ACMG Guidelines, 2015. Collection method: clinical testing. Allele origin: germline. Affected: no.

Sema4
Classification: Benign for Hereditary cancer-predisposing syndrome. Last evaluated: 2021-04-21. Review status: criteria provided, single submitter. Criteria: Sema4 Curation Guidelines. Collection method: curation. Allele origin: germline.

Athena Diagnostics
Classification: Benign. Last evaluated: 2021-03-16. Review status: criteria provided, single submitter. Criteria: Athena Diagnostics criteria. Collection method: clinical testing. Allele origin: unknown.

Quest Diagnostics Nichols Institute San Juan Capistrano
Classification: Benign. Last evaluated: 2021-03-16. Review status: criteria provided, single submitter. Criteria: Quest Diagnostics criteria. Collection method: clinical testing. Allele origin: unknown.

Illumina Laboratory Services, Illumina
Classification: Benign for Tuberous sclerosis syndrome. Last evaluated: 2018-01-12. Review status: criteria provided, single submitter. Criteria: ICSL Variant Classification Criteria 13 December 2019. Collection method: clinical testing. Allele origin: germline.
Comment: This variant was observed in the ICSL laboratory as part of a predisposition screen in an ostensibly healthy population. It had not been previously curated by ICSL or reported in the Human Gene Mutation Database (HGMD: prior to June 1st, 2018), and was therefore a candidate for classification through an automated scoring system. Utilizing variant allele frequency, disease prevalence and penetrance estimates, and inheritance mode, an automated score was calculated to assess if this variant is too frequent to cause the disease. Based on the score and internal cut-off values, a variant classified as benign is not then subjected to further curation. The score for this variant resulted in a classification of benign for this disease.

GeneDx
Classification: Benign. Last evaluated: 2014-05-02. Review status: criteria provided, single submitter. Criteria: GeneDx Variant Classification (06012015). Collection method: clinical testing. Allele origin: germline. Affected: yes.
Comment: This variant is considered likely benign or benign based on one or more of the following criteria: it is a conservative change, it occurs at a poorly conserved position in the protein, it is predicted to be benign by multiple in silico algorithms, and/or has population frequency not consistent with disease.

Tuberous sclerosis database (TSC2)
No classification provided. Condition: TSC. Review status: no classification provided. Criteria: Tuberous Sclerosis Database Assertion Criteria 2015. Collection method: curation. Allele origin: germline. Affected: yes. Not counted in ClinVar's aggregate classification.